The following is an entry in ClinVar:

ClinVar aggregate classification (germline): Uncertain significance (1 of 4 stars; one submission).

Conditions:
Myoclonic dystonia 26. Identifiers: MedGen C4225341, MONDO:0014620, OMIM 616398.

Submission:

Labcorp Genetics (formerly Invitae), Labcorp
Classification: Uncertain significance for Myoclonic dystonia 26. Last evaluated: 2025-09-15. Review status: criteria provided, single submitter. Criteria: Invitae Variant Classification Sherloc (09022015). Collection method: clinical testing. Allele origin: germline.
Comment: This sequence change replaces tyrosine, which is neutral and polar, with histidine, which is basic and polar, at codon 179 of the KCTD17 protein (p.Tyr179His). This variant is not present in population databases (gnomAD no frequency). This variant has not been reported in the literature in individuals affected with KCTD17-related conditions. Invitae Evidence Modeling of protein sequence and biophysical properties (such as structural, functional, and spatial information, amino acid conservation, physicochemical variation, residue mobility, and thermodynamic stability) indicates that this missense variant is not expected to disrupt KCTD17 protein function with a negative predictive value of 80%. In summary, the available evidence is currently insufficient to determine the role of this variant in disease. Therefore, it has been classified as a Variant of Uncertain Significance.

NM_001282684.2(KCTD17):c.514T>C (p.Tyr172His)

Gene: KCTD17 (potassium channel tetramerization domain containing 17; plus strand). Cytogenetic location: 22q12.3.
Variant type: single nucleotide variant.
Coding change: c.514T>C on transcript NM_001282684.2 (MANE Select); coding-DNA position 514, T replaced by C.
Protein change: p.Tyr172His; replaces tyrosine 172 with histidine.
Molecular consequence: missense variant.
Genome position (GRCh38, 1-based): chr22:37,059,340, T>C. VCF-style: chr22-37059340-T-C. GRCh37 (hg19) VCF-style: chr22-37455380-T-C.
Other names: c.514T>C, p.Tyr172His (NM_001282685.2, NM_001282686.2, NM_024681.4); short protein forms Y172H.
Identifiers: ClinVar variation 4742055 (VCV004742055.1).